The following is an entry in ClinVar:

ClinVar aggregate classification (germline): Pathogenic (1 of 4 stars; one submission).

Submission:

ISCA site 4
Classification: Pathogenic. Last evaluated: 2011-08-12. Review status: criteria provided, single submitter. Criteria: Kaminsky et al. (Genet Med. 2011). Collection method: clinical testing. Allele origin: unknown. Affected: yes. Observed: 1 variant allele.
Comment: Copy number variation identified through the course of routine clinical cytogenomic testing in postnatal populations. Clinical assertions have been curated as described in Kaminsky et al. 2011.

GRCh38/hg38 1q21.1-21.2(chr1:145215697-149076087)x1

Genes: ACP6 (acid phosphatase 6, lysophosphatidic; minus strand), ANKRD34A (ankyrin repeat domain 34A; minus strand), ANKRD35 (ankyrin repeat domain 35; minus strand), ANKRD35-DT (ANKRD35 divergent transcript; plus strand), BCL9 (BCL9 transcription coactivator; plus strand) and 144 more. Cytogenetic location: 1q21.1-21.2.
Variant type: copy number loss.
Change: copy number 1 (one copy instead of two) of chr1:145,215,697-149,076,087 (3.86 Mb, GRCh38 coordinates, 1-based), cytogenetic band 1q21.1-21.2.
Identifiers: ClinVar variation 160968 (VCV000160968.1).